The following is an entry in ClinVar:

NM_014915.3(ANKRD26):c.4107G>C (p.Met1369Ile)

Gene: ANKRD26 (ankyrin repeat domain containing 26; minus strand). Cytogenetic location: 10p12.1.
Variant type: single nucleotide variant.
Coding change: c.4107G>C on transcript NM_014915.3 (MANE Select); coding-DNA position 4107, G replaced by C.
Protein change: p.Met1369Ile; replaces methionine 1369 with isoleucine.
Molecular consequence: missense variant.
Genome position (GRCh38, 1-based): chr10:27,022,666, C>G on the plus strand (G>C on the coding strand, the complement: ANKRD26 is on the minus strand). VCF-style: chr10-27022666-C-G. GRCh37 (hg19) VCF-style: chr10-27311595-C-G.
Other names: c.4104G>C, p.Met1368Ile (NM_001256053.2); short protein forms M1368I, M1369I.
Identifiers: ClinVar variation 3870298 (VCV003870298.1).

ClinVar aggregate classification (germline): Uncertain significance (1 of 4 stars; one submission).

Conditions:
Inborn genetic diseases. Identifiers: MedGen C0950123, MeSH D030342.

Submission:

Ambry Genetics
Classification: Uncertain significance for Inborn genetic diseases. Last evaluated: 2025-01-10. Review status: criteria provided, single submitter. Criteria: Ambry Variant Classification Scheme 2023. Collection method: clinical testing. Allele origin: germline.
Comment: The p.M1369I variant (also known as c.4107G>C), located in coding exon 29 of the ANKRD26 gene, results from a G to C substitution at nucleotide position 4107. The methionine at codon 1369 is replaced by isoleucine, an amino acid with highly similar properties. This amino acid position is conserved. In addition, this alteration is predicted to be tolerated by in silico analysis. Based on the available evidence, the clinical significance of this variant remains unclear.